The following is an entry in ClinVar:

NM_018941.4(CLN8):c.427T>G (p.Phe143Val)

Gene: CLN8 (CLN8 transmembrane ER and ERGIC protein; plus strand). Cytogenetic location: 8p23.3.
Variant type: single nucleotide variant.
Coding change: c.427T>G on transcript NM_018941.4 (MANE Select); coding-DNA position 427, T replaced by G.
Protein change: p.Phe143Val; replaces phenylalanine 143 with valine.
Molecular consequence: missense variant.
Genome position (GRCh38, 1-based): chr8:1,771,481, T>G. VCF-style: chr8-1771481-T-G. GRCh37 (hg19) VCF-style: chr8-1719647-T-G.
Other names: short protein forms F143V.
Identifiers: ClinVar variation 1429545 (VCV001429545.8), dbSNP rs2130992340, ClinGen allele CA369953545.

ClinVar aggregate classification (germline): Uncertain significance (1 of 4 stars; one submission).

Conditions:
Neuronal ceroid lipofuscinosis. Also called: Neuronal Ceroid Lipofuscinoses. Identifiers: Orphanet 216, Orphanet 79263, MedGen C0027877, MONDO:0016295. Disease mechanism: loss of function.

Submission:

Labcorp Genetics (formerly Invitae), Labcorp
Classification: Uncertain significance for Neuronal ceroid lipofuscinosis. Last evaluated: 2021-04-06. Review status: criteria provided, single submitter. Criteria: Invitae Variant Classification Sherloc (09022015). Collection method: clinical testing. Allele origin: germline.
Comment: This variant has not been reported in the literature in individuals with CLN8-related conditions. In summary, the available evidence is currently insufficient to determine the role of this variant in disease. Therefore, it has been classified as a Variant of Uncertain Significance. Algorithms developed to predict the effect of missense changes on protein structure and function are either unavailable or do not agree on the potential impact of this missense change (SIFT: "Deleterious"; PolyPhen-2: "Probably Damaging"; Align-GVGD: "Class C0"). This variant is not present in population databases (ExAC no frequency). This sequence change replaces phenylalanine with valine at codon 143 of the CLN8 protein (p.Phe143Val). The phenylalanine residue is highly conserved and there is a small physicochemical difference between phenylalanine and valine.